The following is an entry in ClinVar:

ClinVar aggregate classification (germline): Conflicting classifications of pathogenicity. Review status: criteria provided, conflicting classifications (1 of 4 stars). 4 submissions from 4 submitters: Uncertain significance (3); Likely benign (1). Last evaluated 2025-11-25.

Conditions:
Inborn genetic diseases. Identifiers: MedGen C0950123, MeSH D030342.
Neuropathy, hereditary sensory and autonomic, type 2A (HSAN2A). Also called: ACROOSTEOLYSIS, GIACCAI TYPE; ACROOSTEOLYSIS, NEUROGENIC; HSAN IIA; WNK1-Related HSAN2 (HSAN2A); MORVAN DISEASE; NEUROPATHY, CONGENITAL SENSORY. Identifiers: Orphanet 970, MedGen C2752089, MONDO:0024309, OMIM 201300.
Pseudohypoaldosteronism type 2C (PHA2C). Also called: Pseudohypoaldosteronism Type IIC. Identifiers: Orphanet 757, Orphanet 88940, MedGen C1840391, MONDO:0013778, OMIM 614492.

Allele frequency attached by ClinVar (database versions not stated): gnomAD exomes below 0.00001; ExAC 0.00001; gnomAD 0.00007 and 0.00008; TOPMed 0.00007.
gnomAD v4.1: 12 of 1,614,066 alleles (0.00074%); highest among the groups gnomAD compares: African/African-American, 0.015%; no homozygotes.

Submissions (4):

Ambry Genetics
Classification: Likely benign for Inborn genetic diseases. Last evaluated: 2025-11-25. Review status: criteria provided, single submitter. Criteria: Ambry Variant Classification Scheme 2023. Collection method: clinical testing. Allele origin: germline.

Labcorp Genetics (formerly Invitae), Labcorp
Classification: Uncertain significance for Neuropathy, hereditary sensory and autonomic, type 2A; Pseudohypoaldosteronism type 2C. Last evaluated: 2024-11-24. Review status: criteria provided, single submitter. Criteria: Invitae Variant Classification Sherloc (09022015). Collection method: clinical testing. Allele origin: germline.
Comment: This sequence change affects codon 1322 of the WNK1 mRNA. It is a 'silent' change, meaning that it does not change the encoded amino acid sequence of the WNK1 protein. It affects a nucleotide within the consensus splice site. This variant is present in population databases (rs72650717, gnomAD 0.02%). This variant has not been reported in the literature in individuals affected with WNK1-related conditions. ClinVar contains an entry for this variant (Variation ID: 286520). Algorithms developed to predict the effect of sequence changes on RNA splicing suggest that this variant is not likely to affect RNA splicing. In summary, the available evidence is currently insufficient to determine the role of this variant in disease. Therefore, it has been classified as a Variant of Uncertain Significance.

Fulgent Genetics
Classification: Uncertain significance for Neuropathy, hereditary sensory and autonomic, type 2A; Pseudohypoaldosteronism type 2C. Last evaluated: 2024-05-22. Review status: criteria provided, single submitter. Criteria: ACMG Guidelines, 2015. Collection method: clinical testing. Allele origin: germline.

Eurofins Ntd Llc (ga)
Classification: Uncertain significance. Last evaluated: 2016-03-21. Review status: criteria provided, single submitter. Criteria: EGL Classification Definitions 2015. Collection method: clinical testing. Allele origin: germline. Observed: 1 variant allele, 1 heterozygote.

NM_018979.4(WNK1):c.3210T>C (p.Ser1070=)

Gene: WNK1 (WNK lysine deficient protein kinase 1; plus strand). Cytogenetic location: 12p13.33.
Variant type: single nucleotide variant.
Coding change: c.3210T>C on transcript NM_018979.4 (MANE Select); coding-DNA position 3210, T replaced by C.
Protein change: p.Ser1070=; no amino-acid change (serine 1070 retained).
Molecular consequence: synonymous variant.
Genome position (GRCh38, 1-based): chr12:881,911, T>C. VCF-style: chr12-881911-T-C. GRCh37 (hg19) VCF-style: chr12-991077-T-C.
Other names: c.3990T>C, p.Ser1330= (NM_001184985.2); c.2469T>C, p.Ser823= (NM_014823.3); c.3966T>C, p.Ser1322= (NM_213655.5).
Identifiers: ClinVar variation 286520 (VCV000286520.16), dbSNP rs72650717, ClinGen allele CA6382716.
Genomic context (GRCh38, chr12:881,911, plus strand): 5'-TGTCAGACCTTTAAATCTCATATTATAAACTGCACTTTTTTTTCTTTTTAAATTTCAAAG[T>C]GCACATTCAGATGTTGCTTCAGGTATGAGTGATGGCAATGAGAACGTCCCATCTTCCAGT-3'
Protein context (NP_061852.3, residues 1060-1080): QPTTLASSVD[Ser1070=]AHSDVASGMS